The following is an entry in ClinVar:

NM_004525.3(LRP2):c.8219C>T (p.Thr2740Ile)

Gene: LRP2 (LDL receptor related protein 2; minus strand). Cytogenetic location: 2q31.1.
Variant type: single nucleotide variant.
Coding change: c.8219C>T on transcript NM_004525.3 (MANE Select); coding-DNA position 8219, C replaced by T.
Protein change: p.Thr2740Ile; replaces threonine 2740 with isoleucine.
Molecular consequence: missense variant.
Genome position (GRCh38, 1-based): chr2:169,201,861, G>A on the plus strand (C>T on the coding strand, the complement: LRP2 is on the minus strand). VCF-style: chr2-169201861-G-A. GRCh37 (hg19) VCF-style: chr2-170058371-G-A.
Other names: short protein forms T2740I.
Identifiers: ClinVar variation 1398628 (VCV001398628.4), dbSNP rs1688214550, ClinGen allele CA349165828.

ClinVar aggregate classification (germline): Uncertain significance. Review status: criteria provided, multiple submitters, no conflicts (2 of 4 stars). 2 submissions from 2 submitters: Uncertain significance (2). Last evaluated 2022-04-08.

Conditions:
Donnai-Barrow syndrome. Also called: DBS/FOAR SYNDROME; FACIOOCULOACOUSTICORENAL SYNDROME. Identifiers: Orphanet 2143, MedGen C1857277, MONDO:0009104, OMIM 222448.

Allele frequency attached by ClinVar (database versions not stated): gnomAD 0.00001.
gnomAD v4.1: 1 of 1,613,996 alleles (0.000062%); highest among the groups gnomAD compares: Non-Finnish European, 0.000085%; no homozygotes.

Submissions (2):

Fulgent Genetics
Classification: Uncertain significance for Donnai-Barrow syndrome. Last evaluated: 2022-04-08. Review status: criteria provided, single submitter. Criteria: ACMG Guidelines, 2015. Collection method: clinical testing. Allele origin: unknown.

Labcorp Genetics (formerly Invitae), Labcorp
Classification: Uncertain significance. Last evaluated: 2021-09-03. Review status: criteria provided, single submitter. Criteria: Invitae Variant Classification Sherloc (09022015). Collection method: clinical testing. Allele origin: germline.
Comment: This sequence change replaces threonine with isoleucine at codon 2740 of the LRP2 protein (p.Thr2740Ile). The threonine residue is highly conserved and there is a moderate physicochemical difference between threonine and isoleucine. This variant is not present in population databases (ExAC no frequency). This variant has not been reported in the literature in individuals affected with LRP2-related conditions. Algorithms developed to predict the effect of missense changes on protein structure and function output the following: SIFT: "Deleterious"; PolyPhen-2: "Probably Damaging"; Align-GVGD: "Class C15". The isoleucine amino acid residue is found in multiple mammalian species, which suggests that this missense change does not adversely affect protein function. In summary, the available evidence is currently insufficient to determine the role of this variant in disease. Therefore, it has been classified as a Variant of Uncertain Significance.